The following is an entry in ClinVar:

ClinVar aggregate classification (germline): Likely pathogenic (1 of 4 stars; one submission).

Conditions:
Glycogen storage disease, type V (GSD5). Also called: McArdle type glycogen storage disease; PYGM DEFICIENCY; MCARDLE DISEASE; MUSCLE GLYCOGEN PHOSPHORYLASE DEFICIENCY; MYOPHOSPHORYLASE DEFICIENCY. Identifiers: Orphanet 368, MedGen C0017924, MONDO:0009293, OMIM 232600.

Submission:

Women's Health and Genetics/Laboratory Corporation of America, LabCorp
Classification: Likely pathogenic for Glycogen storage disease, type V. Last evaluated: 2022-06-07. Review status: criteria provided, single submitter. Criteria: LabCorp Variant Classification Summary - May 2015. Collection method: clinical testing. Allele origin: germline.
Comment: Variant summary: The variant identified by MLPA or other technology involves the deletion of exons 18-20 in the PYGM gene. A presumed nomenclature of c.(2177+1_2178-1)_(*271_?)del has been designated for the purposes of this classification. Although exact breakpoints of this deletion are not known, it is expected to result in a frameshift change in the PYGM gene, a known mechanism of disease. The variant was absent in 21694 control chromosomes (gnomAD SVs, Structural Variants dataset). To our knowledge, no occurrence of c.(2177+1_2178-1)_(*271_?)del in individuals affected with Glycogen Storage Disease, Type V and no experimental evidence demonstrating its impact on protein function have been reported. No clinical diagnostic laboratories have submitted clinical-significance assessments for this variant to ClinVar after 2014. Based on the evidence outlined above, the variant was classified as likely pathogenic.

NC_000011.9:g.(?_64513860)_(64514831_64517847)del

Gene: PYGM (glycogen phosphorylase, muscle associated; minus strand). Cytogenetic location: 11q13.1.
Variant type: Deletion.
Identifiers: ClinVar variation 1698503 (VCV001698503.1).